The following is an entry in ClinVar:

NM_016507.4(CDK12):c.3220A>C (p.Thr1074Pro)

Gene: CDK12 (cyclin dependent kinase 12; plus strand). Cytogenetic location: 17q12.
Variant type: single nucleotide variant.
Coding change: c.3220A>C on transcript NM_016507.4 (MANE Select); coding-DNA position 3220, A replaced by C.
Protein change: p.Thr1074Pro; replaces threonine 1074 with proline.
Molecular consequence: missense variant.
Genome position (GRCh38, 1-based): chr17:39,524,798, A>C. VCF-style: chr17-39524798-A-C. GRCh37 (hg19) VCF-style: chr17-37681051-A-C.
Other names: c.3220A>C, p.Thr1074Pro (NM_015083.4); short protein forms T1074P.
Identifiers: ClinVar variation 4651413 (VCV004651413.1).

ClinVar aggregate classification (germline): Uncertain significance (1 of 4 stars; one submission).

gnomAD v4.1: 3 of 1,614,226 alleles (0.00019%); highest among the groups gnomAD compares: Non-Finnish European, 0.00025%; no homozygotes.

Submission:

Ambry Genetics
Classification: Uncertain significance. Last evaluated: 2025-10-30. Review status: criteria provided, single submitter. Criteria: Ambry Variant Classification Scheme 2023. Collection method: clinical testing. Allele origin: germline.
Comment: The p.T1074P variant (also known as c.3220A>C), located in coding exon 12 of the CDK12 gene, results from an A to C substitution at nucleotide position 3220. The threonine at codon 1074 is replaced by proline, an amino acid with highly similar properties. This amino acid position is conserved. In addition, the in silico prediction for this alteration is inconclusive. Based on the available evidence, the clinical significance of this variant remains unclear.